The following is an entry in ClinVar:

NM_005751.5(AKAP9):c.9052A>C (p.Ser3018Arg)

Gene: AKAP9 (A-kinase anchoring protein 9; plus strand). Cytogenetic location: 7q21.2.
Variant type: single nucleotide variant.
Coding change: c.9052A>C on transcript NM_005751.5 (MANE Select); coding-DNA position 9052, A replaced by C.
Protein change: p.Ser3018Arg; replaces serine 3018 with arginine.
Molecular consequence: missense variant.
Genome position (GRCh38, 1-based): chr7:92,086,255, A>C. VCF-style: chr7-92086255-A-C. GRCh37 (hg19) VCF-style: chr7-91715569-A-C.
Other names: c.3697A>C, p.Ser1233Arg (NM_001379277.1); c.9028A>C, p.Ser3010Arg (NM_147185.3); short protein forms S3018R, S1233R, S3010R.
Identifiers: ClinVar variation 1765608 (VCV001765608.3), dbSNP rs2535269169, ClinGen allele CA368143416.

ClinVar aggregate classification (germline): Uncertain significance (1 of 4 stars; one submission).

Conditions:
Cardiovascular phenotype. Identifiers: MedGen CN230736.

Allele frequency attached by ClinVar (database versions not stated): gnomAD exomes 0.00001.
gnomAD v4.1: 15 of 1,614,096 alleles (0.00093%); highest among the groups gnomAD compares: Non-Finnish European, 0.0013%; no homozygotes.

Submission:

Ambry Genetics
Classification: Uncertain significance for Cardiovascular phenotype. Last evaluated: 2025-02-22. Review status: criteria provided, single submitter. Criteria: Ambry Variant Classification Scheme 2023. Collection method: clinical testing. Allele origin: germline.
Comment: The p.S3018R variant (also known as c.9052A>C), located in coding exon 37 of the AKAP9 gene, results from an A to C substitution at nucleotide position 9052. The serine at codon 3018 is replaced by arginine, an amino acid with dissimilar properties. This amino acid position is conserved. In addition, this alteration is predicted to be tolerated by in silico analysis. Since supporting evidence is limited at this time, the clinical significance of this alteration remains unclear.